The following is an entry in ClinVar:

NM_006796.2(AFG3L2):c.-468T>C

Gene: AFG3L2 (AFG3 like matrix AAA peptidase subunit 2; minus strand). Cytogenetic location: 18p11.21.
Variant type: single nucleotide variant.
Coding change: c.-468T>C on transcript NM_006796.2; 468 bases upstream of the start codon, T replaced by C.
Genome position (GRCh38, 1-based): chr18:12,377,550, A>G on the plus strand (T>C on the coding strand, the complement: AFG3L2 is on the minus strand). VCF-style: chr18-12377550-A-G. GRCh37 (hg19) VCF-style: chr18-12377549-A-G.
Identifiers: ClinVar variation 683205 (VCV000683205.3), dbSNP rs9964437, ClinGen allele CA16551185.

ClinVar aggregate classification (germline): Benign (1 of 4 stars; one submission).

Allele frequency attached by ClinVar (database versions not stated): TOPMed 0.15735; gnomAD 0.18980 and 0.19443; 1000 Genomes Project 30x 0.19300; 1000 Genomes Project 0.18970.

Submission:

GeneDx
Classification: Benign. Last evaluated: 2018-06-14. Review status: criteria provided, single submitter. Criteria: GeneDx Variant Classification (06012015). Collection method: clinical testing. Allele origin: germline. Affected: yes.
Comment: This variant is considered likely benign or benign based on one or more of the following criteria: it is a conservative change, it occurs at a poorly conserved position in the protein, it is predicted to be benign by multiple in silico algorithms, and/or has population frequency not consistent with disease.